The following is an entry in ClinVar:

ClinVar aggregate classification (germline): Likely pathogenic (1 of 4 stars; one submission).

Conditions:
GNPTAB-mucolipidosis. Also called: UDP-N-acetylglucosamine-1-phosphotransferase subunit alpha/beta deficiency. Identifiers: MedGen CN322573, MONDO:0100122.

Submission:

Myriad Genetics, Inc.
Classification: Likely pathogenic for GNPTAB-mucolipidosis. Last evaluated: 2021-12-17. Review status: criteria provided, single submitter. Criteria: Myriad Autosomal Dominant, Autosomal Recessive and X-Linked Classification Criteria (2023). Collection method: clinical testing. Allele origin: unknown.
Comment: NM_024312.4(GNPTAB):c.2317_2318delAG(S773Hfs*10) is expected to be pathogenic in the context of GNPTAB-related disorders. This variant is predicted to lead to an abnormal or absent protein product due to the creation of a premature termination codon in GNPTAB, a gene where loss-of-function variants are known to be pathogenic. Please note: this variant was assessed in the context of healthy population screening.

NM_024312.5(GNPTAB):c.2317_2318del (p.Ser773fs)

Gene: GNPTAB (N-acetylglucosamine-1-phosphate transferase subunits alpha and beta; minus strand). Cytogenetic location: 12q23.2.
Variant type: Deletion.
Coding change: c.2317_2318del on transcript NM_024312.5 (MANE Select); coding-DNA positions 2317 to 2318, 2 bases deleted (AG; older notation c.2317_2318delAG).
Protein change: p.Ser773fs; shifts the reading frame from serine 773.
Molecular consequence: frameshift variant.
Genome position (GRCh38, 1-based): chr12:101,764,599-101,764,600, CT deleted on the plus strand (AG on the coding strand, the reverse complement: GNPTAB is on the minus strand). VCF-style (leftmost placement, unchanged base first): chr12-101764598-GCT-G. GRCh37 (hg19) VCF-style: chr12-102158376-GCT-G.
Other names: short protein forms S773fs.
Identifiers: ClinVar variation 1726486 (VCV001726486.3), dbSNP rs2547957065, ClinGen allele CA2580085662.